The following is an entry in ClinVar:

ClinVar aggregate classification (germline): Uncertain significance (1 of 4 stars; one submission).

gnomAD v4.1: 64 of 1,612,932 alleles (0.004%); highest among the groups gnomAD compares: African/African-American, 0.051%; no homozygotes.

Submission:

Labcorp Genetics (formerly Invitae), Labcorp
Classification: Uncertain significance. Last evaluated: 2025-06-12. Review status: criteria provided, single submitter. Criteria: Invitae Variant Classification Sherloc (09022015). Collection method: clinical testing. Allele origin: germline.
Comment: This sequence change replaces arginine, which is basic and polar, with tryptophan, which is neutral and slightly polar, at codon 457 of the LAMA5 protein (p.Arg457Trp). This variant is present in population databases (rs747637012, gnomAD 0.05%). This variant has not been reported in the literature in individuals affected with LAMA5-related conditions. ClinVar contains an entry for this variant (Variation ID: 3711110). An algorithm developed to predict the effect of missense changes on protein structure and function (PolyPhen-2) suggests that this variant is likely to be disruptive. In summary, the available evidence is currently insufficient to determine the role of this variant in disease. Therefore, it has been classified as a Variant of Uncertain Significance.

NM_005560.6(LAMA5):c.1369C>T (p.Arg457Trp)

Gene: LAMA5 (laminin subunit alpha 5; minus strand). Cytogenetic location: 20q13.33.
Variant type: single nucleotide variant.
Coding change: c.1369C>T on transcript NM_005560.6 (MANE Select); coding-DNA position 1369, C replaced by T.
Protein change: p.Arg457Trp; replaces arginine 457 with tryptophan.
Molecular consequence: missense variant.
Genome position (GRCh38, 1-based): chr20:62,346,129, G>A on the plus strand (C>T on the coding strand, the complement: LAMA5 is on the minus strand). VCF-style: chr20-62346129-G-A. GRCh37 (hg19) VCF-style: chr20-60921185-G-A.
Other names: short protein forms R457W.
Identifiers: ClinVar variation 3711110 (VCV003711110.2).
Genomic context (GRCh38, chr20:62,346,129, plus strand): 5'-GCAGGTGCTCACGGTAGCAGCTTGGGAAGCCCGTGAAGCCCTCGGCACACACGTCACACC[G>A]CTCCCCAGAGAAGTTGGGCCGGCAGTAGCATCGACCCGTCAGGTCCTCGCAGGTGCCATC-3'
Protein context (NP_005551.3, residues 447-467): CYCRPNFSGE[Arg457Trp]CDVCAEGFTG